The following is an entry in ClinVar:

NM_024642.5(GALNT12):c.139G>A (p.Ala47Thr)

Gene: GALNT12 (polypeptide N-acetylgalactosaminyltransferase 12; plus strand). Cytogenetic location: 9q22.33.
Variant type: single nucleotide variant.
Coding change: c.139G>A on transcript NM_024642.5 (MANE Select); coding-DNA position 139, G replaced by A.
Protein change: p.Ala47Thr; replaces alanine 47 with threonine.
Molecular consequence: missense variant.
Genome position (GRCh38, 1-based): chr9:98,807,837, G>A. VCF-style: chr9-98807837-G-A. GRCh37 (hg19) VCF-style: chr9-101570119-G-A.
Other names: short protein forms A47T.
Identifiers: ClinVar variation 485689 (VCV000485689.16), dbSNP rs1376691635, ClinGen allele CA374222381.

ClinVar aggregate classification (germline): Conflicting classifications of pathogenicity. Review status: criteria provided, conflicting classifications (1 of 4 stars). 3 submissions from 3 submitters: Uncertain significance (2); Likely benign (1). Last evaluated 2024-04-03.

Conditions:
Colorectal cancer, susceptibility to, 1. Also called: COLORECTAL ADENOMA AND CANCER, SUSCEPTIBILITY TO; COLORECTAL CANCER, SUSCEPTIBILITY TO, ON CHROMOSOME 9. Identifiers: MedGen C1837315, MONDO:0012132, OMIM 608812.

Allele frequency attached by ClinVar (database versions not stated): gnomAD 0.00001; TOPMed 0.00001.
gnomAD v4.1: 4 of 1,015,640 alleles (0.00039%); highest among the groups gnomAD compares: Non-Finnish European, 0.00047%; no homozygotes.

Submissions (3):

Labcorp Genetics (formerly Invitae), Labcorp
Classification: Uncertain significance. Last evaluated: 2024-04-03. Review status: criteria provided, single submitter. Criteria: Invitae Variant Classification Sherloc (09022015). Collection method: clinical testing. Allele origin: germline.
Comment: This sequence change replaces alanine, which is neutral and non-polar, with threonine, which is neutral and polar, at codon 47 of the GALNT12 protein (p.Ala47Thr). The frequency data for this variant in the population databases is considered unreliable, as metrics indicate insufficient coverage at this position in the gnomAD database. This variant has not been reported in the literature in individuals affected with GALNT12-related conditions. ClinVar contains an entry for this variant (Variation ID: 485689). Algorithms developed to predict the effect of missense changes on protein structure and function output the following: SIFT: "Not Available"; PolyPhen-2: "Not Available"; Align-GVGD: "Not Available". The threonine amino acid residue is found in multiple mammalian species, which suggests that this missense change does not adversely affect protein function. In summary, the available evidence is currently insufficient to determine the role of this variant in disease. Therefore, it has been classified as a Variant of Uncertain Significance.

Ambry Genetics
Classification: Likely benign. Last evaluated: 2024-03-26. Review status: criteria provided, single submitter. Criteria: Ambry Variant Classification Scheme 2023. Collection method: clinical testing. Allele origin: germline.

Baylor Genetics
Classification: Uncertain significance for Colorectal cancer, susceptibility to, 1. Last evaluated: 2021-04-05. Review status: criteria provided, single submitter. Criteria: ACMG Guidelines, 2015. Collection method: clinical testing. Allele origin: unknown.